The following is an entry in ClinVar:

NM_032043.3(BRIP1):c.2059del (p.Thr686_Val687insTer)

Gene: BRIP1 (BRCA1 interacting DNA helicase 1; minus strand). Cytogenetic location: 17q23.2.
Variant type: Deletion.
Coding change: c.2059del on transcript NM_032043.3 (MANE Select); coding-DNA position 2059, one base deleted (G; older notation c.2059delG).
Protein change: p.Thr686_Val687insTer.
Molecular consequence: nonsense.
Genome position (GRCh38, 1-based): chr17:61,776,439, C deleted on the plus strand (G on the coding strand, the reverse complement: BRIP1 is on the minus strand). VCF-style (leftmost placement, unchanged base first): chr17-61776438-AC-A. GRCh37 (hg19) VCF-style: chr17-59853799-AC-A.
Identifiers: ClinVar variation 1393804 (VCV001393804.7), dbSNP rs2145027657, ClinGen allele CA2573154291.
Genomic context (GRCh38, chr17:61,776,438, plus strand): 5'-AGAAACAATAAATATTCCCTTACCTTGTAAGATGGCAAGAAACACAAAATTCCTTGGCTC[AC>A]AGTCTGGCACACAGATAACAAAAGTGCTCCCACTTCATCTTGGAACTCAAATGTTTCAGT-3'

ClinVar aggregate classification (germline): Pathogenic (1 of 4 stars; one submission).

Conditions:
Familial cancer of breast. Also called: BREAST CANCER, FAMILIAL; hereditary breast carcinoma; Hereditary breast cancer. Identifiers: Orphanet 227535, MedGen C0346153, MONDO:0016419, OMIM 114480. Disease mechanism: loss of function.
Fanconi anemia complementation group J. Also called: BRIP1-Related Fanconi Anemia. Identifiers: Orphanet 84, MedGen C1836860, MONDO:0012187, OMIM 609054.

Submission:

Labcorp Genetics (formerly Invitae), Labcorp
Classification: Pathogenic for Familial cancer of breast; Fanconi anemia complementation group J. Last evaluated: 2023-04-24. Review status: criteria provided, single submitter. Criteria: Invitae Variant Classification Sherloc (09022015). Collection method: clinical testing. Allele origin: germline.
Comment: For these reasons, this variant has been classified as Pathogenic. ClinVar contains an entry for this variant (Variation ID: 1393804). This variant has not been reported in the literature in individuals affected with BRIP1-related conditions. This variant is not present in population databases (gnomAD no frequency). This sequence change creates a premature translational stop signal (p.Val687*) in the BRIP1 gene. It is expected to result in an absent or disrupted protein product. Loss-of-function variants in BRIP1 are known to be pathogenic (PMID: 16116423, 17033622, 21964575).

Literature cited by the submitters: PubMed 16116423; PubMed 17033622; PubMed 21964575.